The following is an entry in ClinVar:

NM_015259.6(ICOSLG):c.424G>A (p.Val142Ile)

Gene: ICOSLG (inducible T cell costimulator ligand; minus strand). Cytogenetic location: 21q22.3.
Variant type: single nucleotide variant.
Coding change: c.424G>A on transcript NM_015259.6 (MANE Select); coding-DNA position 424, G replaced by A.
Protein change: p.Val142Ile; replaces valine 142 with isoleucine.
Molecular consequence: missense variant.
Genome position (GRCh38, 1-based): chr21:44,235,545, C>T on the plus strand (G>A on the coding strand, the complement: ICOSLG is on the minus strand). VCF-style: chr21-44235545-C-T. GRCh37 (hg19) VCF-style: chr21-45655428-C-T.
Other names: c.424G>A (NM_015259.4); c.424G>A, p.Val142Ile (NM_001283050.2); c.73G>A, p.Val25Ile (NM_001283051.2); c.169G>A, p.Val57Ile (NM_001283052.2); c.343G>A, p.Val115Ile (NM_001365759.2); short protein forms V25I, V142I, V115I, V57I.
Identifiers: ClinVar variation 1444653 (VCV001444653.7), dbSNP rs372772395, ClinGen allele CA321497339.
Genomic context (GRCh38, chr21:44,235,545, plus strand): 5'-TTATGGATGTACACGTGAAGGTGAGCTCATCCTGGGAGGGGCTGTGGGGGGCGCTGACGA[C>T]GGGCACGCTGAAGTTTGCTGCAGGGGAGGGAAACAGATTGTGAGAGATGCCAGACCCTGC-3'
Protein context (NP_056074.1, residues 132-152): LHVAANFSVP[Val142Ile]VSAPHSPSQD

ClinVar aggregate classification (germline): Uncertain significance. Review status: criteria provided, multiple submitters, no conflicts (2 of 4 stars). 2 submissions from 2 submitters: Uncertain significance (2). Last evaluated 2025-06-11.

Allele frequency attached by ClinVar (database versions not stated): ESP Exome Variant Server 0.00008.

Submissions (2):

Ambry Genetics
Classification: Uncertain significance. Last evaluated: 2025-06-11. Review status: criteria provided, single submitter. Criteria: Ambry Variant Classification Scheme 2023. Collection method: clinical testing. Allele origin: germline.

Labcorp Genetics (formerly Invitae), Labcorp
Classification: Uncertain significance. Last evaluated: 2025-05-12. Review status: criteria provided, single submitter. Criteria: Invitae Variant Classification Sherloc (09022015). Collection method: clinical testing. Allele origin: germline.
Comment: This sequence change replaces valine, which is neutral and non-polar, with isoleucine, which is neutral and non-polar, at codon 142 of the ICOSLG protein (p.Val142Ile). This variant is present in population databases (rs372772395, gnomAD 0.05%). This variant has not been reported in the literature in individuals affected with ICOSLG-related conditions. ClinVar contains an entry for this variant (Variation ID: 1444653). An algorithm developed to predict the effect of missense changes on protein structure and function outputs the following: PolyPhen-2: "Possibly Damaging". The isoleucine amino acid residue is found in multiple mammalian species, which suggests that this missense change does not adversely affect protein function. In summary, the available evidence is currently insufficient to determine the role of this variant in disease. Therefore, it has been classified as a Variant of Uncertain Significance.